The following is an entry in ClinVar:

ClinVar aggregate classification (germline): Uncertain significance (1 of 4 stars; one submission).

Submission:

GeneDx
Classification: Uncertain significance. Last evaluated: 2023-04-26. Review status: criteria provided, single submitter. Criteria: GeneDx Variant Classification Process June 2021. Collection method: clinical testing. Allele origin: germline. Affected: yes.
Comment: Not observed at significant frequency in large population cohorts (gnomAD); Nonsense variant predicted to result in protein truncation as the last 22 amino acids are lost; Has not been previously published as pathogenic or benign to our knowledge

NM_181303.2(NLGN3):c.2481T>A (p.Tyr827Ter)

Gene: NLGN3 (neuroligin 3; plus strand). Cytogenetic location: Xq13.1.
Variant type: single nucleotide variant.
Coding change: c.2481T>A on transcript NM_181303.2 (MANE Select); coding-DNA position 2481, T replaced by A.
Protein change: p.Tyr827Ter; replaces tyrosine 827 with a stop codon.
Molecular consequence: nonsense.
Genome position (GRCh38, 1-based): chrX:71,170,031, T>A. VCF-style: chrX-71170031-T-A. GRCh37 (hg19) VCF-style: chrX-70389881-T-A.
Other names: c.2361T>A, p.Tyr787Ter (NM_001166660.2); c.2070T>A, p.Tyr690Ter (NM_001321276.2); c.2421T>A, p.Tyr807Ter (NM_018977.4); short protein forms Y690*, Y787*, Y807*, Y827*.
Identifiers: ClinVar variation 2663614 (VCV002663614.1), dbSNP rs2519775658, ClinGen allele CA413568947.